The following is an entry in ClinVar:

ClinVar aggregate classification (germline): Uncertain significance. Review status: criteria provided, multiple submitters, no conflicts (2 of 4 stars). 2 submissions from 2 submitters: Uncertain significance (2). Last evaluated 2025-01-17.

Conditions:
Primary hyperoxaluria type 3. Also called: PH III. Identifiers: Orphanet 416, Orphanet 93600, MedGen C3150878, MONDO:0013327, OMIM 613616. Disease mechanism: loss of function.

Allele frequency attached by ClinVar (database versions not stated): TOPMed below 0.00001; gnomAD 0.00001; ExAC 0.00003.

Submissions (2):

Labcorp Genetics (formerly Invitae), Labcorp
Classification: Uncertain significance. Last evaluated: 2025-01-17. Review status: criteria provided, single submitter. Criteria: Invitae Variant Classification Sherloc (09022015). Collection method: clinical testing. Allele origin: germline.
Comment: This sequence change replaces tryptophan, which is neutral and slightly polar, with serine, which is neutral and polar, at codon 7 of the HOGA1 protein (p.Trp7Ser). The frequency data for this variant in the population databases is considered unreliable, as metrics indicate poor data quality at this position in the gnomAD database. This variant has not been reported in the literature in individuals affected with HOGA1-related conditions. ClinVar contains an entry for this variant (Variation ID: 2664384). Invitae Evidence Modeling of protein sequence and biophysical properties (such as structural, functional, and spatial information, amino acid conservation, physicochemical variation, residue mobility, and thermodynamic stability) indicates that this missense variant is expected to disrupt HOGA1 protein function with a positive predictive value of 95%. In summary, the available evidence is currently insufficient to determine the role of this variant in disease. Therefore, it has been classified as a Variant of Uncertain Significance.

Clinical Biochemistry Laboratory, Health Services Laboratory
Classification: Uncertain significance for Primary hyperoxaluria type 3. Last evaluated: 2023-10-27. Review status: criteria provided, single submitter. Criteria: ACMG Guidelines, 2015. Collection method: curation. Allele origin: germline. Affected: no.
Comment: ACMG: PM1 PP3 BP1

Literature cited by the submitters: PubMed 37139236 (cited by Clinical Biochemistry Laboratory, Health Services Laboratory).

NM_138413.4(HOGA1):c.20G>C (p.Trp7Ser)

Gene: HOGA1 (4-hydroxy-2-oxoglutarate aldolase 1; plus strand). Cytogenetic location: 10q24.2.
Variant type: single nucleotide variant.
Coding change: c.20G>C on transcript NM_138413.4 (MANE Select); coding-DNA position 20, G replaced by C.
Protein change: p.Trp7Ser; replaces tryptophan 7 with serine.
Molecular consequence: missense variant.
Genome position (GRCh38, 1-based): chr10:97,584,723, G>C. VCF-style: chr10-97584723-G-C. GRCh37 (hg19) VCF-style: chr10-99344480-G-C.
Other names: c.20G>C, p.Trp7Ser (NM_001134670.2); short protein forms W7S.
Identifiers: ClinVar variation 2664384 (VCV002664384.2), dbSNP rs116731711, ClinGen allele CA5633808.
Genomic context (GRCh38, chr10:97,584,723, plus strand): 5'-TCTGGGACATAGACCAATTGTGCTTCAGGCCTCCTGCAGAGATGCTGGGTCCCCAAGTCT[G>C]GTCTTCTGTGAGGCAGGGGCTAAGCAGGAGCTTGTCCAGGAATGTGGGGGTCTGGGCCTC-3'
Protein context (NP_612422.2, residues 1-17): MLGPQV[Trp7Ser]SSVRQGLSRS